The following is an entry in ClinVar:

ClinVar aggregate classification (germline): Benign/Likely benign. Review status: criteria provided, multiple submitters, no conflicts (2 of 4 stars). 3 submissions from 3 submitters: Benign (1); Likely benign (2). Last evaluated 2025-11-05.

Conditions:
Hereditary cancer-predisposing syndrome. Also called: Neoplastic Syndromes, Hereditary; Tumor predisposition; Hereditary Cancer Syndrome; Hereditary neoplastic syndrome. Identifiers: Orphanet 140162, MedGen C0027672, MeSH D009386, MONDO:0015356.
Familial adenomatous polyposis 1 (FAP1). Also called: FAMILIAL ADENOMATOUS POLYPOSIS 1, ATTENUATED; POLYPOSIS, ADENOMATOUS INTESTINAL. Identifiers: MedGen C2713442, MONDO:0021056, OMIM 175100. Disease mechanism: loss of function.

Submissions (3):

Labcorp Genetics (formerly Invitae), Labcorp
Classification: Likely benign for Familial adenomatous polyposis 1. Last evaluated: 2025-11-05. Review status: criteria provided, single submitter. Criteria: Invitae Variant Classification Sherloc (09022015). Collection method: clinical testing. Allele origin: germline.

Myriad Genetics, Inc.
Classification: Benign for Familial adenomatous polyposis 1. Last evaluated: 2024-03-18. Review status: criteria provided, single submitter. Criteria: Myriad Autosomal Dominant, Autosomal Recessive and X-Linked Classification Criteria (2023). Collection method: clinical testing. Allele origin: unknown.
Comment: This variant is considered benign. This variant is a silent/synonymous amino acid change and it is not expected to impact splicing.

Ambry Genetics
Classification: Likely benign for Hereditary cancer-predisposing syndrome. Last evaluated: 2016-07-22. Review status: criteria provided, single submitter. Criteria: Ambry Variant Classification Scheme 2023. Collection method: clinical testing. Allele origin: germline.

NM_000038.6(APC):c.3162C>T (p.His1054=)

Gene: APC (APC regulator of Wnt signaling pathway; plus strand). Cytogenetic location: 5q22.2.
Variant type: single nucleotide variant.
Coding change: c.3162C>T on transcript NM_000038.6 (MANE Select); coding-DNA position 3162, C replaced by T.
Protein change: p.His1054=; no amino-acid change (histidine 1054 retained).
Molecular consequence: synonymous variant.
Genome position (GRCh38, 1-based): chr5:112,838,756, C>T. VCF-style: chr5-112838756-C-T. GRCh37 (hg19) VCF-style: chr5-112174453-C-T.
Other names: c.3162C>T, p.His1054= (NM_001127510.3, NM_001354895.2); c.3108C>T, p.His1036= (NM_001127511.3); c.3216C>T, p.His1072= (NM_001354896.2); c.3192C>T, p.His1064= (NM_001354897.2); c.3087C>T, p.His1029= (NM_001354898.2); c.3078C>T, p.His1026= (NM_001354899.2); c.3039C>T, p.His1013= (NM_001354900.2); c.2985C>T, p.His995= (NM_001354901.2); and 5 more.
Identifiers: ClinVar variation 482391 (VCV000482391.11), dbSNP rs1554084767, ClinGen allele CA445963211.